The following is an entry in ClinVar:

NM_002585.4(PBX1):c.416C>T (p.Ala139Val)

Gene: PBX1 (PBX homeobox 1; plus strand). Cytogenetic location: 1q23.3.
Variant type: single nucleotide variant.
Coding change: c.416C>T on transcript NM_002585.4 (MANE Select); coding-DNA position 416, C replaced by T.
Protein change: p.Ala139Val; replaces alanine 139 with valine.
Molecular consequence: missense variant.
Genome position (GRCh38, 1-based): chr1:164,792,644, C>T. VCF-style: chr1-164792644-C-T. GRCh37 (hg19) VCF-style: chr1-164761881-C-T.
Other names: c.167C>T, p.Ala56Val (NM_001353130.1); c.416C>T, p.Ala139Val (NM_001353131.2, NM_001204961.2, NM_001204963.2); short protein forms A139V, A56V.
Identifiers: ClinVar variation 4532133 (VCV004532133.1).
Genomic context (GRCh38, chr1:164,792,644, plus strand): 5'-GGCCTGAGAAGGGCGGAGGGTCGGCGGCAGCGGCGGCAGCGGCGGCGGCTTCTGGAGGGG[C>T]AGGTTCAGACAACTCAGTGGAGCATTCAGATTACAGAGCCAAACTCTCACAGATCAGACA-3'
Protein context (NP_002576.1, residues 129-149): AAAAAAASGG[Ala139Val]GSDNSVEHSD

ClinVar aggregate classification (germline): Uncertain significance (1 of 4 stars; one submission).

Conditions:
Congenital anomalies of kidney and urinary tract syndrome with or without hearing loss, abnormal ears, or developmental delay. Also called: Congenital Anomalies of the Kidney and Urinary Tract syndrome with or without Hearing Loss, Abnormal Ears, or Developmental Delay. Identifiers: Orphanet 656130, MedGen C4539968, MONDO:0060549, OMIM 617641.

Submission:

Victorian Clinical Genetics Services, Murdoch Childrens Research Institute
Classification: Uncertain significance for Congenital anomalies of kidney and urinary tract syndrome with or without hearing loss, abnormal ears, or developmental delay. Last evaluated: 2025-11-03. Review status: criteria provided, single submitter. Criteria: ACMG Guidelines, 2015. Collection method: clinical testing. Allele origin: germline. Affected: yes.
Comment: This variant is classified as VUS-3A. Evidence in support of pathogenic classification: Variant is absent from gnomAD (v2, v3 and v4); Missense variant with inconclusive in silico prediction and uninformative conservation. However, a splice site in silico tool and high conservation of the affected nucleotide supports abnormal splicing; Strong phenotype match for this individual; Additional information: Variant is predicted to result in a missense amino acid change from Ala to Val; This variant is heterozygous; This gene is associated with autosomal dominant disease; Alternative amino acid change(s) at the same position are present in gnomAD (Highest allele count: v4: 81 heterozygote(s), 0 homozygote(s)) ; This variant has no previous evidence of pathogenicity; No published evidence of segregation with disease has been identified for this variant; No published functional evidence has been identified for this variant; Another missense variant comparable to the one identified in this case has inconclusive previous evidence for pathogenicity. The alternative change (p.(Ala139Thr)) has been classified once as a VUS by a clinical laboratory in ClinVar; Variant is located in the annotated PBC domain (DECIPHER); Loss of function is a known mechanism of disease in this gene and is associated with congenital anomalies of kidney and urinary tract syndrome with or without hearing loss, abnormal ears, or developmental delay (MIM#617641); Variants in this gene are known to have variable expressivity. Phenotype varies greatly among patients, especially extra-renal manifestations (OMIM). Intra-familial variability has also been reported (PMID: 33098248).

Literature cited by the submitters: PubMed 33098248.